The following is an entry in ClinVar:

NM_018943.3(TUBA8):c.915C>T (p.Cys305=)

Gene: TUBA8 (tubulin alpha 8; plus strand). Cytogenetic location: 22q11.21.
Variant type: single nucleotide variant.
Coding change: c.915C>T on transcript NM_018943.3 (MANE Select); coding-DNA position 915, C replaced by T.
Protein change: p.Cys305=; no amino-acid change (cysteine 305 retained).
Molecular consequence: synonymous variant.
Genome position (GRCh38, 1-based): chr22:18,126,893, C>T. VCF-style: chr22-18126893-C-T. GRCh37 (hg19) VCF-style: chr22-18609660-C-T.
Other names: c.915C>T (NM_018943.2); c.717C>T, p.Cys239= (NM_001193414.2).
Identifiers: ClinVar variation 1902901 (VCV001902901.6), dbSNP rs544875400, ClinGen allele CA10093783.

ClinVar aggregate classification (germline): Likely benign. Review status: criteria provided, multiple submitters, no conflicts (2 of 4 stars). 2 submissions from 2 submitters: Likely benign (2). Last evaluated 2025-11-03.

Conditions:
TUBA8-related disorder. Also called: TUBA8-related condition.

Allele frequency attached by ClinVar (database versions not stated): ExAC 0.00001; gnomAD exomes 0.00002; gnomAD 0.00005; TOPMed 0.00005; 1000 Genomes Project 30x 0.00016; 1000 Genomes Project 0.00020.
gnomAD v4.1: 42 of 1,611,020 alleles (0.0026%); highest among the groups gnomAD compares: Admixed American, 0.017%; no homozygotes.

Submissions (2):

Labcorp Genetics (formerly Invitae), Labcorp
Classification: Likely benign. Last evaluated: 2025-11-03. Review status: criteria provided, single submitter. Criteria: Invitae Variant Classification Sherloc (09022015). Collection method: clinical testing. Allele origin: germline.

PreventionGenetics, part of Exact Sciences
Classification: Likely benign for TUBA8-related condition. Last evaluated: 2025-02-10. Review status: criteria provided, single submitter. Criteria: ACMG Guidelines, 2015. Collection method: clinical testing. Allele origin: germline.
Comment: This variant is classified as likely benign based on ACMG/AMP sequence variant interpretation guidelines (Richards et al. 2015 PMID: 25741868, with internal and published modifications).